The following is an entry in ClinVar:

NM_002582.4(PARN):c.1219C>G (p.His407Asp)

Gene: PARN (poly(A)-specific ribonuclease; minus strand). Cytogenetic location: 16p13.12.
Variant type: single nucleotide variant.
Coding change: c.1219C>G on transcript NM_002582.4 (MANE Select); coding-DNA position 1219, C replaced by G.
Protein change: p.His407Asp; replaces histidine 407 with aspartic acid.
Molecular consequence: missense variant.
Genome position (GRCh38, 1-based): chr16:14,580,917, G>C on the plus strand (C>G on the coding strand, the complement: PARN is on the minus strand). VCF-style: chr16-14580917-G-C. GRCh37 (hg19) VCF-style: chr16-14674774-G-C.
Other names: c.1219C>G, p.His407Asp (LRG_1286t1); c.1036C>G, p.His346Asp (NM_001134477.3); c.1081C>G, p.His361Asp (NM_001242992.2); short protein forms H346D, H407D, H361D.
Identifiers: ClinVar variation 662466 (VCV000662466.9), dbSNP rs1596738260, ClinGen allele CA394821893.

ClinVar aggregate classification (germline): Uncertain significance (1 of 4 stars; one submission).

Conditions:
Dyskeratosis congenita, autosomal recessive 6 (DKCB6). Identifiers: MedGen C4225356, MONDO:0014600, OMIM 616353.
Pulmonary fibrosis and/or bone marrow failure, Telomere-related, 4. Also called: PULMONARY FIBROSIS AND/OR BONE MARROW FAILURE SYNDROME, TELOMERE-RELATED, 4. Identifiers: Orphanet 2032, MedGen C4225347, MONDO:0014612, OMIM 616371.

Submission:

Labcorp Genetics (formerly Invitae), Labcorp
Classification: Uncertain significance for Dyskeratosis congenita, autosomal recessive 6; Pulmonary fibrosis and/or bone marrow failure, Telomere-related, 4. Last evaluated: 2018-12-04. Review status: criteria provided, single submitter. Criteria: Invitae Variant Classification Sherloc (09022015). Collection method: clinical testing. Allele origin: germline.
Comment: This variant has not been reported in the literature in individuals with PARN-related conditions. This variant is not present in population databases (ExAC no frequency). This sequence change replaces histidine with aspartic acid at codon 407 of the PARN protein (p.His407Asp). The histidine residue is weakly conserved and there is a moderate physicochemical difference between histidine and aspartic acid. Algorithms developed to predict the effect of missense changes on protein structure and function (SIFT, PolyPhen-2, Align-GVGD) all suggest that this variant is likely to be tolerated, but these predictions have not been confirmed by published functional studies and their clinical significance is uncertain. In summary, the available evidence is currently insufficient to determine the role of this variant in disease. Therefore, it has been classified as a Variant of Uncertain Significance.